The following is an entry in ClinVar:

NM_020207.7(ERCC6L2):c.3723C>A (p.Asn1241Lys)

Gene: ERCC6L2 (ERCC excision repair 6 like 2; plus strand). Cytogenetic location: 9q22.32.
Variant type: single nucleotide variant.
Coding change: c.3723C>A on transcript NM_020207.7 (MANE Select); coding-DNA position 3723, C replaced by A.
Protein change: p.Asn1241Lys; replaces asparagine 1241 with lysine.
Molecular consequence: missense variant. On other transcripts: non-coding transcript variant (1), intron variant (2).
Genome position (GRCh38, 1-based): chr9:96,012,273, C>A. VCF-style: chr9-96012273-C-A. GRCh37 (hg19) VCF-style: chr9-98774555-C-A.
Other names: c.3674+7572C>A (NM_001375291.1, NM_001375292.1); short protein forms N1241K.
Identifiers: ClinVar variation 1936295 (VCV001936295.4), dbSNP rs370932051, ClinGen allele CA196590569.

ClinVar aggregate classification (germline): Uncertain significance (1 of 4 stars; one submission).

gnomAD v4.1: 3 of 1,306,170 alleles (0.00023%); highest among the groups gnomAD compares: African/African-American, 0.0046%; no homozygotes.

Submission:

Labcorp Genetics (formerly Invitae), Labcorp
Classification: Uncertain significance. Last evaluated: 2025-02-17. Review status: criteria provided, single submitter. Criteria: Invitae Variant Classification Sherloc (09022015). Collection method: clinical testing. Allele origin: germline.
Comment: This sequence change replaces asparagine, which is neutral and polar, with lysine, which is basic and polar, at codon 1252 of the ERCC6L2 protein (p.Asn1252Lys). This variant is present in population databases (no rsID available, gnomAD 0.01%). This variant has not been reported in the literature in individuals affected with ERCC6L2-related conditions. ClinVar contains an entry for this variant (Variation ID: 1936295). Experimental studies and prediction algorithms are not available or were not evaluated, and the functional significance of this variant is currently unknown. In summary, the available evidence is currently insufficient to determine the role of this variant in disease. Therefore, it has been classified as a Variant of Uncertain Significance.